The following is an entry in ClinVar:

NM_013432.5(TONSL):c.712C>T (p.Arg238Trp)

Gene: TONSL (tonsoku like, DNA repair protein; minus strand). Cytogenetic location: 8q24.3.
Variant type: single nucleotide variant.
Coding change: c.712C>T on transcript NM_013432.5 (MANE Select); coding-DNA position 712, C replaced by T.
Protein change: p.Arg238Trp; replaces arginine 238 with tryptophan.
Molecular consequence: missense variant.
Genome position (GRCh38, 1-based): chr8:144,442,279, G>A on the plus strand (C>T on the coding strand, the complement: TONSL is on the minus strand). VCF-style: chr8-144442279-G-A. GRCh37 (hg19) VCF-style: chr8-145667662-G-A.
Other names: c.712C>T (NM_013432.4); short protein forms R238W.
Identifiers: ClinVar variation 1020525 (VCV001020525.9), dbSNP rs149978949, ClinGen allele CA4943541.
Genomic context (GRCh38, chr8:144,442,279, plus strand): 5'-CGGAGCCACGCACAGCGGGTACCTGTGCAATAACCACGCAGCACTCGCTCTCCATGAACC[G>A]CTTCCTCATGGTGTGCGCACACTCCCGGGCACCCTCCAAGCAGCGCATAGCCTGGGAGTG-3'
Protein context (NP_038460.4, residues 228-248): ARECAHTMRK[Arg238Trp]FMESECCVVI

ClinVar aggregate classification (germline): Uncertain significance. Review status: criteria provided, multiple submitters, no conflicts (2 of 4 stars). 4 submissions from 4 submitters: Uncertain significance (3). 1 of the submissions does not count toward it. Last evaluated 2026-01-21.

Conditions:
TONSL-related disorder. Also called: TONSL-related condition.
Inborn genetic diseases. Identifiers: MedGen C0950123, MeSH D030342.

Allele frequency attached by ClinVar (database versions not stated): ESP Exome Variant Server 0.00069; gnomAD 0.00074 and 0.00078; 1000 Genomes Project 0.00080; 1000 Genomes Project 30x 0.00094; TOPMed 0.00100.
gnomAD v4.1: 463 of 1,595,458 alleles (0.029%); highest among the groups gnomAD compares: African/African-American, 0.17%; 1 homozygote.

Submissions (5):

Ambry Genetics
Classification: Uncertain significance for Inborn genetic diseases. Last evaluated: 2026-01-21. Review status: criteria provided, single submitter. Criteria: Ambry Variant Classification Scheme 2023. Collection method: clinical testing. Allele origin: germline.

Labcorp Genetics (formerly Invitae), Labcorp
Classification: Uncertain significance. Last evaluated: 2022-10-25. Review status: criteria provided, single submitter. Criteria: Invitae Variant Classification Sherloc (09022015). Collection method: clinical testing. Allele origin: germline.
Comment: This sequence change replaces arginine, which is basic and polar, with tryptophan, which is neutral and slightly polar, at codon 238 of the TONSL protein (p.Arg238Trp). This variant is present in population databases (rs149978949, gnomAD 0.2%). This variant has not been reported in the literature in individuals affected with TONSL-related conditions. ClinVar contains an entry for this variant (Variation ID: 1020525). Advanced modeling of protein sequence and biophysical properties (such as structural, functional, and spatial information, amino acid conservation, physicochemical variation, residue mobility, and thermodynamic stability) performed at Invitae indicates that this missense variant is expected to disrupt TONSL protein function. In summary, the available evidence is currently insufficient to determine the role of this variant in disease. Therefore, it has been classified as a Variant of Uncertain Significance.

Breakthrough Genomics
Classification: Uncertain significance. Review status: criteria provided, single submitter. Criteria: ACMG Guidelines, 2015. Collection method: not provided. Allele origin: germline. Inheritance: Autosomal recessive inheritance. Affected: yes.

PreventionGenetics, part of Exact Sciences
Classification: Likely benign for TONSL-related condition. Last evaluated: 2022-07-11. Review status: no assertion criteria provided. Collection method: clinical testing. Allele origin: germline. Not counted in ClinVar's aggregate classification.
Comment: This variant is classified as likely benign based on ACMG/AMP sequence variant interpretation guidelines (Richards et al. 2015 PMID: 25741868, with internal and published modifications).

Dr. Peter K. Rogan Lab, Western University
No classification provided (evidence only). Condition: Malignant tumor of urinary bladder. Review status: no classification provided. Collection method: in vitro. Allele origin: not applicable. Functional consequence: skipped exon. Not counted in ClinVar's aggregate classification.